The following is an entry in ClinVar:

ClinVar aggregate classification (germline): Uncertain significance (1 of 4 stars; one submission).

Submission:

Laboratory for Molecular Medicine, Mass General Brigham Personalized Medicine
Classification: Uncertain significance. Last evaluated: 2024-02-27. Review status: criteria provided, single submitter. Criteria: ACMG Guidelines, 2015. Collection method: clinical testing. Allele origin: germline.
Comment: The p.Trp725X variant in ADCY3 has not been previously reported in individuals with obesity and was absent from large population studies. This nonsense variant leads to a premature termination codon at position 725, which is predicted to lead to a truncated or absent protein. Loss of function of the ADCY3 gene has been reported in autosomal recessive obesity and insulin resistance and has been demonstrated in mouse models (Wang 2009 PMID: 19750222, Saeed 2018 PMID: 29311637), but the role of LOF variants in disease is not yet clearly established. In summary, while there is some suspicion for a pathogenic role, the clinical significance of this variant is uncertain. ACMG/AMP Criteria applied: PVS1_Strong, PM2_Supporting.

NM_004036.5(ADCY3):c.2108G>A (p.Trp703Ter)

Gene: ADCY3 (adenylate cyclase 3; minus strand). Cytogenetic location: 2p23.3.
Variant type: single nucleotide variant.
Coding change: c.2108G>A on transcript NM_004036.5 (MANE Select); coding-DNA position 2108, G replaced by A.
Protein change: p.Trp703Ter; replaces tryptophan 703 with a stop codon.
Molecular consequence: nonsense.
Genome position (GRCh38, 1-based): chr2:24,830,773, C>T on the plus strand (G>A on the coding strand, the complement: ADCY3 is on the minus strand). VCF-style: chr2-24830773-C-T. GRCh37 (hg19) VCF-style: chr2-25053642-C-T.
Other names: c.2108G>A, p.Trp703Ter (NM_001320613.2, NM_001377129.1, NM_001377130.1 and 1 more transcripts); c.2174G>A, p.Trp725Ter (NM_001377128.1); c.1385G>A, p.Trp462Ter (NM_001377131.1); short protein forms W462*, W703*, W725*.
Identifiers: ClinVar variation 3075983 (VCV003075983.1), dbSNP rs2466909326, ClinGen allele CA346066716.